The following is an entry in ClinVar:

ClinVar aggregate classification (germline): Conflicting classifications of pathogenicity. Review status: criteria provided, conflicting classifications (1 of 4 stars). 13 submissions from 11 submitters: Likely pathogenic (1); Uncertain significance (11). 1 of the submissions does not count toward it. Last evaluated 2025-03-25.

Conditions:
Pendred syndrome (PDS). Also called: Pendred's syndrome; Pendred Syndrome (PDS); DEAFNESS WITH GOITER; GOITER-DEAFNESS SYNDROME; HYPOTHYROIDISM, CONGENITAL, DUE TO DYSHORMONOGENESIS, 2B; THYROID DYSHORMONOGENESIS 2B. Identifiers: Orphanet 705, MedGen C0271829, MONDO:0010134, OMIM 274600.
Autosomal recessive nonsyndromic hearing loss 4 (DFNB4). Also called: FOXI1-Related Pendred Syndrome; KCNJ10-Related Pendred Syndrome; DEAFNESS, AUTOSOMAL RECESSIVE 4, WITH ENLARGED VESTIBULAR AQUEDUCT, DIGENIC; Deafness, autosomal recessive 4, with enlarged vestibular aqueduct; Enlarged vestibular aqueduct, digenic; Deafness, autosomal recessive 4. Identifiers: Orphanet 90636, MedGen C3538946, MONDO:0010933, OMIM 600791.

Allele frequency attached by ClinVar (database versions not stated): TOPMed 0.00002; gnomAD 0.00003 and 0.00004; gnomAD exomes 0.00010 and 0.00013; ExAC 0.00012.
gnomAD v4.1: 154 of 1,613,456 alleles (0.0095%); highest among the groups gnomAD compares: Middle Eastern, 0.18%; 2 homozygotes.

Submissions (13):

GeneDx
Classification: Uncertain significance. Last evaluated: 2025-03-25. Review status: criteria provided, single submitter. Criteria: GeneDx Variant Classification Process June 2021. Collection method: clinical testing. Allele origin: germline.
Comment: Identified in the heterozygous state and without a second variant in individuals with nonsyndromic hearing loss in published literature (PMID: 16283880, 26188157); Published functional studies demonstrate impaired I-/Cl- antiport activities, but no effect on the HCO3-/Cl- antiport activities (PMID: 31599023); In silico analysis supports that this missense variant has a deleterious effect on protein structure/function; This variant is associated with the following publications: (PMID: 34426522, 26188157, 33199029, 35186384, 31599023, 27771369, 38474007, OmidRezaei2020[CaseReport], 16283880, 37034890)

Blueprint Genetics
Classification: Uncertain significance. Last evaluated: 2024-11-12. Review status: criteria provided, single submitter. Criteria: ACMG Guidelines, 2015. Collection method: clinical testing. Allele origin: germline.

Genomic Medicine Center of Excellence, King Faisal Specialist Hospital and Research Centre
Classification: Uncertain significance for Autosomal recessive nonsyndromic hearing loss 4. Last evaluated: 2024-03-29. Review status: criteria provided, single submitter. Criteria: ACMG Guidelines, 2015. Collection method: clinical testing. Allele origin: germline.

Labcorp Genetics (formerly Invitae), Labcorp
Classification: Uncertain significance. Last evaluated: 2022-08-31. Review status: criteria provided, single submitter. Criteria: Invitae Variant Classification Sherloc (09022015). Collection method: clinical testing. Allele origin: germline.
Comment: This sequence change replaces serine, which is neutral and polar, with proline, which is neutral and non-polar, at codon 399 of the SLC26A4 protein (p.Ser399Pro). This variant is present in population databases (rs747431002, gnomAD 0.09%). This missense change has been observed in individual(s) with non-syndromic deafness (PMID: 16283880). ClinVar contains an entry for this variant (Variation ID: 554065). Advanced modeling of protein sequence and biophysical properties (such as structural, functional, and spatial information, amino acid conservation, physicochemical variation, residue mobility, and thermodynamic stability) performed at Invitae indicates that this missense variant is expected to disrupt SLC26A4 protein function. Experimental studies are conflicting or provide insufficient evidence to determine the effect of this variant on SLC26A4 function (PMID: 31599023). In summary, the available evidence is currently insufficient to determine the role of this variant in disease. Therefore, it has been classified as a Variant of Uncertain Significance.

Department of Pathology and Laboratory Medicine, Sinai Health System
Classification: Uncertain significance for Autosomal recessive nonsyndromic hearing loss 4; Pendred syndrome. Last evaluated: 2022-04-22. Review status: criteria provided, single submitter. Criteria: ACMG Guidelines, 2015. Collection method: research. Allele origin: germline.

Fulgent Genetics
Classification: Uncertain significance for Pendred syndrome; Autosomal recessive nonsyndromic hearing loss 4. Last evaluated: 2022-02-28. Review status: criteria provided, single submitter. Criteria: ACMG Guidelines, 2015. Collection method: clinical testing. Allele origin: unknown.

Myriad Genetics, Inc.
Classification: Uncertain significance for Pendred syndrome. Last evaluated: 2021-11-09. Review status: criteria provided, single submitter. Criteria: Myriad Women's Health Autosomal Recessive and X-Linked Classification Criteria (2021). Collection method: clinical testing. Allele origin: unknown.
Comment: NM_000441.1(SLC26A4):c.1195T>C(S399P) is a missense variant classified as a variant of uncertain significance in the context of Pendred syndrome. S399P has been observed in a case with relevant disease (PMID: 16283880). Functional assessments of this variant are available in the literature (PMID: 31599023). S399P has been observed in population frequency databases (gnomAD: SAS 0.09%). In summary, there is insufficient evidence to classify NM_000441.1(SLC26A4):c.1195T>C(S399P) as pathogenic or benign. Please note: this variant was assessed in the context of healthy population screening.

Genome-Nilou Lab
Classification: Uncertain significance for Autosomal recessive nonsyndromic hearing loss 4. Last evaluated: 2021-07-22. Review status: criteria provided, single submitter. Criteria: ACMG Guidelines, 2015. Collection method: clinical testing. Allele origin: germline. Affected: no.

Genome-Nilou Lab
Classification: Uncertain significance for Pendred syndrome. Last evaluated: 2021-07-22. Review status: criteria provided, single submitter. Criteria: ACMG Guidelines, 2015. Collection method: clinical testing. Allele origin: germline. Affected: no.

Illumina Laboratory Services, Illumina
Classification: Uncertain significance for Pendred syndrome. Last evaluated: 2017-04-27. Review status: criteria provided, single submitter. Criteria: ICSL Variant Classification Criteria 13 December 2019. Collection method: clinical testing. Allele origin: germline.

Illumina Laboratory Services, Illumina
Classification: Uncertain significance for Autosomal recessive nonsyndromic hearing loss 4. Last evaluated: 2017-04-27. Review status: criteria provided, single submitter. Criteria: ICSL Variant Classification Criteria 13 December 2019. Collection method: clinical testing. Allele origin: germline.
Comment: This variant was observed as part of a predisposition screen in an ostensibly healthy population. A literature search was performed for the gene, cDNA change, and amino acid change (where applicable). Publications were found based on this search. However, the evidence from the literature, in combination with allele frequency data from public databases where available, was not sufficient to rule this variant in or out of causing disease. Therefore, this variant is classified as a variant of unknown significance.

Kariminejad - Najmabadi Pathology & Genetics Center
Classification: Likely pathogenic for Pendred syndrome. Review status: criteria provided, single submitter. Criteria: ACMG Guidelines, 2015. Collection method: clinical testing. Allele origin: germline. Affected: no.

National Institute of Sensory Organs, National Hospital Organization Tokyo Medical Center
Classification: Affects for Autosomal recessive nonsyndromic hearing loss 4. Last evaluated: 2019-08-20. Review status: no assertion criteria provided. Collection method: literature only, in vitro. Allele origin: germline. Inheritance: Autosomal recessive inheritance. Affected: yes. Functional consequence: loss_of_function_variant. Not counted in ClinVar's aggregate classification.
Comment: in vitro experiment

Literature cited by the submitters: PubMed 16283880 (cited by 4 submitters); PubMed 31599023 (cited by 3 submitters); PubMed 27771369 (cited by National Institute of Sensory Organs, National Hospital Organization Tokyo Medical Center).

NM_000441.2(SLC26A4):c.1195T>C (p.Ser399Pro)

Gene: SLC26A4 (solute carrier family 26 member 4; plus strand). Cytogenetic location: 7q22.3.
Variant type: single nucleotide variant.
Coding change: c.1195T>C on transcript NM_000441.2 (MANE Select); coding-DNA position 1195, T replaced by C.
Protein change: p.Ser399Pro; replaces serine 399 with proline.
Molecular consequence: missense variant.
Genome position (GRCh38, 1-based): chr7:107,690,169, T>C. VCF-style: chr7-107690169-T-C. GRCh37 (hg19) VCF-style: chr7-107330614-T-C.
Other names: short protein forms S399P.
Identifiers: ClinVar variation 554065 (VCV000554065.24), dbSNP rs747431002, ClinGen allele CA4432717.
Genomic context (GRCh38, chr7:107,690,169, plus strand): 5'-CAGTCTCTTCCTTAGGAATTCATTGCCTTTGGGATCAGCAACATCTTCTCAGGATTCTTC[T>C]CTTGTTTTGTGGCCACCACTGCTCTTTCCCGCACGGCCGTCCAGGAGAGCACTGGAGGAA-3'
Protein context (NP_000432.1, residues 389-409): GISNIFSGFF[Ser399Pro]CFVATTALSR